The following is an entry in ClinVar:

NM_001111125.3(IQSEC2):c.3824C>T (p.Pro1275Leu)

Gene: IQSEC2 (IQ motif and Sec7 domain ArfGEF 2; minus strand). Cytogenetic location: Xp11.22.
Variant type: single nucleotide variant.
Coding change: c.3824C>T on transcript NM_001111125.3 (MANE Select); coding-DNA position 3824, C replaced by T.
Protein change: p.Pro1275Leu; replaces proline 1275 with leucine.
Molecular consequence: missense variant. On other transcripts: 3 prime UTR variant (2).
Genome position (GRCh38, 1-based): chrX:53,234,862, G>A on the plus strand (C>T on the coding strand, the complement: IQSEC2 is on the minus strand). VCF-style: chrX-53234862-G-A. GRCh37 (hg19) VCF-style: chrX-53264044-G-A.
Other names: c.*309C>T (NM_001410736.1, NM_015075.2); short protein forms P1275L.
Identifiers: ClinVar variation 3686036 (VCV003686036.2).

ClinVar aggregate classification (germline): Uncertain significance (1 of 4 stars; one submission).

Conditions:
Intellectual developmental disorder, X-linked 1. Also called: Atkin Flaitz Patil Smith syndrome; MENTAL RETARDATION, X-LINKED 18; MENTAL RETARDATION, X-LINKED 78; Intellectual disability, X-linked 1. Identifiers: Orphanet 777, MedGen C2931498, MONDO:0010656, OMIM 309530.

Submission:

Labcorp Genetics (formerly Invitae), Labcorp
Classification: Uncertain significance for Intellectual developmental disorder, X-linked 1. Last evaluated: 2024-09-01. Review status: criteria provided, single submitter. Criteria: Invitae Variant Classification Sherloc (09022015). Collection method: clinical testing. Allele origin: germline.
Comment: This sequence change replaces proline, which is neutral and non-polar, with leucine, which is neutral and non-polar, at codon 1275 of the IQSEC2 protein (p.Pro1275Leu). This variant is not present in population databases (gnomAD no frequency). This variant has not been reported in the literature in individuals affected with IQSEC2-related conditions. Invitae Evidence Modeling of protein sequence and biophysical properties (such as structural, functional, and spatial information, amino acid conservation, physicochemical variation, residue mobility, and thermodynamic stability) indicates that this missense variant is not expected to disrupt IQSEC2 protein function with a negative predictive value of 95%. In summary, the available evidence is currently insufficient to determine the role of this variant in disease. Therefore, it has been classified as a Variant of Uncertain Significance.